The following is an entry in ClinVar:

NM_005733.3(KIF20A):c.1993C>T (p.His665Tyr)

Gene: KIF20A (kinesin family member 20A; plus strand). Cytogenetic location: 5q31.2.
Variant type: single nucleotide variant.
Coding change: c.1993C>T on transcript NM_005733.3 (MANE Select); coding-DNA position 1993, C replaced by T.
Protein change: p.His665Tyr; replaces histidine 665 with tyrosine.
Molecular consequence: missense variant.
Genome position (GRCh38, 1-based): chr5:138,185,578, C>T. VCF-style: chr5-138185578-C-T. GRCh37 (hg19) VCF-style: chr5-137521267-C-T.
Other names: short protein forms H665Y.
Identifiers: ClinVar variation 2795657 (VCV002795657.3), dbSNP rs769905030, ClinGen allele CA3426778.

ClinVar aggregate classification (germline): Uncertain significance (1 of 4 stars; one submission).

Allele frequency attached by ClinVar (database versions not stated): TOPMed 0.00001.
gnomAD v4.1: 1 of 1,614,124 alleles (0.000062%); highest among the groups gnomAD compares: Admixed American, 0.0017%; no homozygotes.

Submission:

Labcorp Genetics (formerly Invitae), Labcorp
Classification: Uncertain significance. Last evaluated: 2022-12-17. Review status: criteria provided, single submitter. Criteria: Invitae Variant Classification Sherloc (09022015). Collection method: clinical testing. Allele origin: germline.
Comment: In summary, the available evidence is currently insufficient to determine the role of this variant in disease. Therefore, it has been classified as a Variant of Uncertain Significance. This sequence change replaces histidine, which is basic and polar, with tyrosine, which is neutral and polar, at codon 665 of the KIF20A protein (p.His665Tyr). This variant is present in population databases (rs769905030, gnomAD 0.003%). This variant has not been reported in the literature in individuals affected with KIF20A-related conditions. Algorithms developed to predict the effect of missense changes on protein structure and function output the following: SIFT: "Tolerated"; PolyPhen-2: "Benign"; Align-GVGD: "Class C0". The tyrosine amino acid residue is found in multiple mammalian species, which suggests that this missense change does not adversely affect protein function.